The following is an entry in ClinVar:

NM_001005373.4(LRSAM1):c.1333del (p.Gln445fs)

Gene: LRSAM1 (leucine rich repeat and sterile alpha motif containing 1; plus strand). Cytogenetic location: 9q33.3.
Variant type: Deletion.
Coding change: c.1333del on transcript NM_001005373.4 (MANE Select); coding-DNA position 1333, one base deleted (C; older notation c.1333delC).
Protein change: p.Gln445fs; shifts the reading frame from glutamine 445.
Molecular consequence: frameshift variant. On other transcripts: non-coding transcript variant (2).
Genome position (GRCh38, 1-based): chr9:127,487,749, C deleted; the last of 2 consecutive C bases (chr9:127,487,748-127,487,749); deleting either gives the same sequence. VCF-style (leftmost placement, unchanged base first): chr9-127487747-GC-G. GRCh37 (hg19) VCF-style: chr9-130250026-GC-G.
Other names: c.1333del, p.Gln445fs (NM_001005374.4, NM_001190723.3, NM_001384142.1 and 2 more transcripts); c.544del, p.Gln182fs (NM_001384144.1); short protein forms Q445fs, Q182fs.
Identifiers: ClinVar variation 946022 (VCV000946022.7), dbSNP rs866892723, ClinGen allele CA199849988.

ClinVar aggregate classification (germline): Pathogenic (1 of 4 stars; one submission).

Conditions:
Charcot-Marie-Tooth disease axonal type 2P. Also called: CHARCOT-MARIE-TOOTH NEUROPATHY, TYPE 2P; Charcot-Marie-Tooth Neuropathy Type 2G; CHARCOT-MARIE-TOOTH DISEASE, AXONAL, TYPE 2G; CMT 2G. Identifiers: Orphanet 300319, Orphanet 99941, MedGen C3280797, MONDO:0013753, OMIM 614436.

Submission:

Labcorp Genetics (formerly Invitae), Labcorp
Classification: Pathogenic for Charcot-Marie-Tooth disease axonal type 2P. Last evaluated: 2019-04-26. Review status: criteria provided, single submitter. Criteria: Invitae Variant Classification Sherloc (09022015). Collection method: clinical testing. Allele origin: germline.
Comment: This variant has not been reported in the literature in individuals with LRSAM1-related conditions. This variant is not present in population databases (ExAC no frequency). This sequence change creates a premature translational stop signal (p.Gln445Argfs*18) in the LRSAM1 gene. It is expected to result in an absent or disrupted protein product. Loss-of-function variants in LRSAM1 are known to be pathogenic (PMID: 20865121). For these reasons, this variant has been classified as Pathogenic.

Literature cited by the submitters: PubMed 20865121.